The following is an entry in ClinVar:

ClinVar aggregate classification (germline): Uncertain significance (1 of 4 stars; one submission).

Conditions:
Myofibrillar myopathy 3 (MFM3). Also called: Muscular dystrophy, proximal, type 1A; Autosomal dominant spheroid body myopathy. Identifiers: Orphanet 266, Orphanet 268129, MedGen C3714934, MONDO:0012215, OMIM 609200.

Submission:

Labcorp Genetics (formerly Invitae), Labcorp
Classification: Uncertain significance for Myofibrillar myopathy 3. Last evaluated: 2024-02-06. Review status: criteria provided, single submitter. Criteria: Invitae Variant Classification Sherloc (09022015). Collection method: clinical testing. Allele origin: germline.
Comment: This sequence change replaces serine, which is neutral and polar, with phenylalanine, which is neutral and non-polar, at codon 29 of the MYOT protein (p.Ser29Phe). This variant is not present in population databases (gnomAD no frequency). This variant has not been reported in the literature in individuals affected with MYOT-related conditions. ClinVar contains an entry for this variant (Variation ID: 657688). An algorithm developed to predict the effect of missense changes on protein structure and function (PolyPhen-2) suggests that this variant is likely to be disruptive. In summary, the available evidence is currently insufficient to determine the role of this variant in disease. Therefore, it has been classified as a Variant of Uncertain Significance.

NM_006790.3(MYOT):c.86C>T (p.Ser29Phe)

Genes: MYOT (myotilin; plus strand), PKD2L2-DT (PKD2L2 divergent transcript; minus strand). Cytogenetic location: 5q31.2.
Variant type: single nucleotide variant.
Coding change: c.86C>T on transcript NM_006790.3 (MANE Select); coding-DNA position 86, C replaced by T.
Protein change: p.Ser29Phe; replaces serine 29 with phenylalanine.
Molecular consequence: missense variant. On other transcripts: intron variant (2).
Genome position (GRCh38, 1-based): chr5:137,870,737, C>T. VCF-style: chr5-137870737-C-T. GRCh37 (hg19) VCF-style: chr5-137206426-C-T.
Other names: c.-120-140C>T (NM_001300911.2); c.-197+212C>T (NM_001135940.2); short protein forms S29F.
Identifiers: ClinVar variation 657688 (VCV000657688.9), dbSNP rs1580847200, ClinGen allele CA361477919.